The following is an entry in ClinVar:

ClinVar aggregate classification (germline): Likely pathogenic (1 of 4 stars; one submission).

Conditions:
NOTCH1-related disorder. Also called: NOTCH1-related condition; NOTCH1-related disorders.

Submission:

PreventionGenetics, part of Exact Sciences
Classification: Likely pathogenic for NOTCH1-related condition. Last evaluated: 2024-11-26. Review status: criteria provided, single submitter. Criteria: ACMG Guidelines, 2015. Collection method: clinical testing. Allele origin: germline.
Comment: The NOTCH1 c.4325dupC variant is predicted to result in a frameshift and premature protein termination (p.Pro1443Alafs*36). To our knowledge, this variant has not been reported in the literature or in a large population database (gnomAD), indicating this variant is rare. Frameshift variants in NOTCH1 are expected to be pathogenic. This variant is interpreted as likely pathogenic.

NM_017617.5(NOTCH1):c.4325dup (p.Pro1443fs)

Gene: NOTCH1 (notch receptor 1; minus strand). Cytogenetic location: 9q34.3.
Variant type: Duplication.
Coding change: c.4325dup on transcript NM_017617.5 (MANE Select); coding-DNA position 4325, one base duplicated (C; older notation c.4325dupC).
Protein change: p.Pro1443fs; shifts the reading frame from proline 1443.
Molecular consequence: frameshift variant.
Genome position (GRCh38, 1-based): chr9:136,505,571, G duplicated on the plus strand (C on the coding strand, the reverse complement: NOTCH1 is on the minus strand); the first of 6 consecutive G bases (chr9:136,505,571-136,505,576); duplicating any one gives the same sequence. VCF-style (leftmost placement, unchanged base first): chr9-136505570-C-CG. GRCh37 (hg19) VCF-style: chr9-139400022-C-CG.
Other names: short protein forms P1443fs.
Identifiers: ClinVar variation 4999736 (VCV004999736.1).